The following is an entry in ClinVar:

NM_000414.4(HSD17B4):c.715-1G>A

Gene: HSD17B4 (hydroxysteroid 17-beta dehydrogenase 4; plus strand). Cytogenetic location: 5q23.1.
Variant type: single nucleotide variant.
Coding change: c.715-1G>A on transcript NM_000414.4 (MANE Select); the canonical splice acceptor site of the intron before coding-DNA position 715, G replaced by A.
Molecular consequence: splice acceptor variant.
Genome position (GRCh38, 1-based): chr5:119,492,099, G>A. VCF-style: chr5-119492099-G-A. GRCh37 (hg19) VCF-style: chr5-118827794-G-A.
Other names: c.304-1G>A (NM_001374503.1, NM_001374502.1, NM_001374501.1); c.790-1G>A (NM_001199291.3); c.388-1G>A (NM_001374499.1); c.274-1G>A (NM_001374500.1); c.295-1G>A (NM_001292028.2); c.643-1G>A (NM_001292027.2); c.715-1G>A (NM_001374498.1); c.706-1G>A (NM_001374497.1); and 1 more.
Identifiers: ClinVar variation 2025376 (VCV002025376.5), dbSNP rs2531693353, ClinGen allele CA360867076.

ClinVar aggregate classification (germline): Pathogenic/Likely pathogenic. Review status: criteria provided, multiple submitters, no conflicts (2 of 4 stars). 2 submissions from 2 submitters: Pathogenic (1); Likely pathogenic (1). Last evaluated 2022-08-20.

Conditions:
Bifunctional peroxisomal enzyme deficiency (DBIF). Also called: PBFE DEFICIENCY; D-bifunctional protein deficiency; DBP DEFICIENCY. Identifiers: Orphanet 300, MedGen C0342870, MONDO:0009855, OMIM 261515. Disease mechanism: loss of function.
Perrault syndrome. Also called: Gonadal dysgenesis with auditory dysfunction, autosomal recessive inheritance. Identifiers: Orphanet 2855, MedGen C0685838, MONDO:0017312.

Submissions (2):

Labcorp Genetics (formerly Invitae), Labcorp
Classification: Likely pathogenic for Perrault syndrome; Bifunctional peroxisomal enzyme deficiency. Last evaluated: 2022-08-20. Review status: criteria provided, single submitter. Criteria: Invitae Variant Classification Sherloc (09022015). Collection method: clinical testing. Allele origin: germline.
Comment: This sequence change affects an acceptor splice site in intron 9 of the HSD17B4 gene. It is expected to disrupt RNA splicing. Variants that disrupt the donor or acceptor splice site typically lead to a loss of protein function (PMID: 16199547), and loss-of-function variants in HSD17B4 are known to be pathogenic (PMID: 11810648, 16385454). This variant is not present in population databases (gnomAD no frequency). This variant has not been reported in the literature in individuals affected with HSD17B4-related conditions. Algorithms developed to predict the effect of sequence changes on RNA splicing suggest that this variant may disrupt the consensus splice site. In summary, the currently available evidence indicates that the variant is pathogenic, but additional data are needed to prove that conclusively. Therefore, this variant has been classified as Likely Pathogenic.

Baylor Genetics
Classification: Pathogenic for Bifunctional peroxisomal enzyme deficiency. Last evaluated: 2022-04-09. Review status: criteria provided, single submitter. Criteria: ACMG Guidelines, 2015. Collection method: clinical testing. Allele origin: unknown.

Literature cited by the submitters: PubMed 16199547 (cited by Labcorp Genetics (formerly Invitae), Labcorp); PubMed 11810648 (cited by Labcorp Genetics (formerly Invitae), Labcorp); PubMed 16385454 (cited by Labcorp Genetics (formerly Invitae), Labcorp).